The following is an entry in ClinVar:

ClinVar aggregate classification (germline): Uncertain significance (1 of 4 stars; one submission).

Allele frequency attached by ClinVar (database versions not stated): TOPMed below 0.00001; gnomAD 0.00001.

Submission:

Labcorp Genetics (formerly Invitae), Labcorp
Classification: Uncertain significance. Last evaluated: 2024-02-19. Review status: criteria provided, single submitter. Criteria: Invitae Variant Classification Sherloc (09022015). Collection method: clinical testing. Allele origin: germline.
Comment: This sequence change replaces proline, which is neutral and non-polar, with leucine, which is neutral and non-polar, at codon 1181 of the COL4A2 protein (p.Pro1181Leu). This variant is not present in population databases (gnomAD no frequency). This variant has not been reported in the literature in individuals affected with COL4A2-related conditions. Advanced modeling of protein sequence and biophysical properties (such as structural, functional, and spatial information, amino acid conservation, physicochemical variation, residue mobility, and thermodynamic stability) performed at Invitae indicates that this missense variant is not expected to disrupt COL4A2 protein function with a negative predictive value of 95%. In summary, the available evidence is currently insufficient to determine the role of this variant in disease. Therefore, it has been classified as a Variant of Uncertain Significance.

NM_001846.4(COL4A2):c.3542C>T (p.Pro1181Leu)

Gene: COL4A2 (collagen type IV alpha 2 chain; plus strand). Cytogenetic location: 13q34.
Variant type: single nucleotide variant.
Coding change: c.3542C>T on transcript NM_001846.4 (MANE Select); coding-DNA position 3542, C replaced by T.
Protein change: p.Pro1181Leu; replaces proline 1181 with leucine.
Molecular consequence: missense variant.
Genome position (GRCh38, 1-based): chr13:110,492,157, C>T. VCF-style: chr13-110492157-C-T. GRCh37 (hg19) VCF-style: chr13-111144504-C-T.
Other names: short protein forms P1181L.
Identifiers: ClinVar variation 3000351 (VCV003000351.3), dbSNP rs1883305442, ClinGen allele CA388732532.